The following is an entry in ClinVar:

NM_001148.6(ANK2):c.6529A>G (p.Thr2177Ala)

Gene: ANK2 (ankyrin 2; plus strand). Cytogenetic location: 4q26.
Variant type: single nucleotide variant.
Coding change: c.6529A>G on transcript NM_001148.6 (MANE Select); coding-DNA position 6529, A replaced by G.
Protein change: p.Thr2177Ala; replaces threonine 2177 with alanine.
Molecular consequence: missense variant. On other transcripts: intron variant (68).
Genome position (GRCh38, 1-based): chr4:113,355,147, A>G. VCF-style: chr4-113355147-A-G. GRCh37 (hg19) VCF-style: chr4-114276303-A-G.
Other names: c.6295A>G, p.Thr2099Ala (NM_001386142.1); c.2929A>G, p.Thr977Ala (NM_001386166.1); c.6670A>G, p.Thr2224Ala (NM_001386174.1); c.6646A>G, p.Thr2216Ala (NM_001386175.1); c.4411+4898A>G (NM_001386186.2, NM_001386148.2); c.4213+4898A>G (NM_001354269.3); c.4291+4898A>G (NM_001386187.2); c.4252+4898A>G (NM_001386147.1); and 35 more; short protein forms T2099A, T2177A, T2216A, T2224A, T977A.
Identifiers: ClinVar variation 3220990 (VCV003220990.1), dbSNP rs2095665936, ClinGen allele CA357924194.

ClinVar aggregate classification (germline): Uncertain significance (1 of 4 stars; one submission).

Conditions:
Cardiovascular phenotype. Identifiers: MedGen CN230736.

Allele frequency attached by ClinVar (database versions not stated): gnomAD exomes below 0.00001; TOPMed below 0.00001; gnomAD 0.00002.
gnomAD v4.1: 5 of 1,614,026 alleles (0.00031%); highest among the groups gnomAD compares: African/African-American, 0.0053%; no homozygotes.

Submission:

Ambry Genetics
Classification: Uncertain significance for Cardiovascular phenotype. Last evaluated: 2024-03-10. Review status: criteria provided, single submitter. Criteria: Ambry Variant Classification Scheme 2023. Collection method: clinical testing. Allele origin: germline.
Comment: The p.T2177A variant (also known as c.6529A>G), located in coding exon 38 of the ANK2 gene, results from an A to G substitution at nucleotide position 6529. The threonine at codon 2177 is replaced by alanine, an amino acid with similar properties. This amino acid position is conserved. In addition, this alteration is predicted to be tolerated by in silico analysis. Based on the available evidence, the clinical significance of this alteration remains unclear.